The following is an entry in ClinVar:

ClinVar aggregate classification (germline): Uncertain significance. Review status: criteria provided, multiple submitters, no conflicts (2 of 4 stars). 9 submissions from 9 submitters: Uncertain significance (9). Last evaluated 2025-11-25.

Conditions:
Hereditary cancer-predisposing syndrome. Also called: Hereditary neoplastic syndrome; Neoplastic Syndromes, Hereditary; Tumor predisposition; Hereditary Cancer Syndrome. Identifiers: Orphanet 140162, MedGen C0027672, MeSH D009386, MONDO:0015356.
Familial cancer of breast. Also called: BREAST CANCER, FAMILIAL; Hereditary breast cancer; hereditary breast carcinoma. Identifiers: Orphanet 227535, MedGen C0346153, MONDO:0016419, OMIM 114480. Disease mechanism: loss of function.

Allele frequency attached by ClinVar (database versions not stated): ExAC 0.00002; gnomAD exomes 0.00002; gnomAD 0.00003 and 0.00004; TOPMed 0.00005; 1000 Genomes Project 0.00020; 1000 Genomes Project 30x 0.00031.
gnomAD v4.1: 32 of 1,614,186 alleles (0.002%); highest among the groups gnomAD compares: African/African-American, 0.0053%; no homozygotes.

Submissions (9):

Labcorp Genetics (formerly Invitae), Labcorp
Classification: Uncertain significance for Familial cancer of breast. Last evaluated: 2025-11-25. Review status: criteria provided, single submitter. Criteria: Invitae Variant Classification Sherloc (09022015). Collection method: clinical testing. Allele origin: germline.
Comment: This sequence change replaces valine, which is neutral and non-polar, with methionine, which is neutral and non-polar, at codon 713 of the BARD1 protein (p.Val713Met). This variant is present in population databases (rs546077003, gnomAD 0.007%). This missense change has been observed in individual(s) with breast cancer and prostate cancer (PMID: 30925164, 31036035). ClinVar contains an entry for this variant (Variation ID: 186019). An algorithm developed to predict the effect of missense changes on protein structure and function (PolyPhen-2) suggests that this variant is likely to be disruptive. Experimental studies are conflicting or provide insufficient evidence to determine the effect of this variant on BARD1 function (PMID: 30925164). In summary, the available evidence is currently insufficient to determine the role of this variant in disease. Therefore, it has been classified as a Variant of Uncertain Significance.

Color Diagnostics, LLC DBA Color Health
Classification: Uncertain significance for Hereditary cancer-predisposing syndrome. Last evaluated: 2025-04-29. Review status: criteria provided, single submitter. Criteria: ACMG Guidelines, 2015. Collection method: clinical testing. Allele origin: germline.
Comment: This missense variant replaces valine with methionine at codon 713 of the BARD1 protein. Computational prediction suggests that this variant may not impact protein structure and function. An experimental functional study in a human cell line has shown this variant to be partially defected in homology-directed recombination (PMID: 30925164). This variant has been reported in a individual affected with breast cancer (PMID: 31036035, 33471991) and colorectal cancer (PMID: 32658311). This variant has been identified in 5/251358 chromosomes in the general population by the Genome Aggregation Database (gnomAD). The available evidence is insufficient to determine the role of this variant in disease conclusively. Therefore, this variant is classified as a Variant of Uncertain Significance.

Ambry Genetics
Classification: Uncertain significance for Hereditary cancer-predisposing syndrome. Last evaluated: 2024-08-12. Review status: criteria provided, single submitter. Criteria: Ambry Variant Classification Scheme 2023. Collection method: clinical testing. Allele origin: germline.
Comment: The p.V713M variant (also known as c.2137G>A), located in coding exon 11 of the BARD1 gene, results from a G to A substitution at nucleotide position 2137. The valine at codon 713 is replaced by methionine, an amino acid with highly similar properties. This alteration was seen in 1/189 colorectal cancer patients, 0/732 breast cancer patients, and 0/490 cancer-free elderly controls in a Turkish population (Akcay IM et al. Int J Cancer, 2021 01;148:285-295). This variant was also identified in a cohort of 3,579 African males diagnosed with prostate cancer who underwent multi-gene panel testing of 19 DNA repair and cancer predisposition genes (Matejcic M et al. JCO Precis Oncol, 2020 Jan;4:32-43). In a homology-directed repair (HDR) assay, this alteration showed HDR activity above the cutoff for proficiency (Adamovich AI et al. PLoS Genet., 2019 03;15:e1008049). This amino acid position is highly conserved in available vertebrate species. In addition, this alteration is predicted to be tolerated by in silico analysis. Based on the available evidence, the clinical significance of this variant remains unclear.

Fulgent Genetics
Classification: Uncertain significance for Familial cancer of breast. Last evaluated: 2024-05-19. Review status: criteria provided, single submitter. Criteria: ACMG Guidelines, 2015. Collection method: clinical testing. Allele origin: germline.

Baylor Genetics
Classification: Uncertain significance for Familial cancer of breast. Last evaluated: 2024-03-17. Review status: criteria provided, single submitter. Criteria: ACMG Guidelines, 2015. Collection method: clinical testing. Allele origin: unknown.

GeneDx
Classification: Uncertain significance. Last evaluated: 2023-04-25. Review status: criteria provided, single submitter. Criteria: GeneDx Variant Classification Process June 2021. Collection method: clinical testing. Allele origin: germline. Affected: yes.
Comment: Not observed at significant frequency in large population cohorts (gnomAD); In silico analysis supports that this missense variant does not alter protein structure/function; Published functional studies are inconclusive: demonstrates partially reduced HDR activity (Adamovich et al., 2019); Observed in individuals with breast, colorectal, or prostate cancer, and absent in control groups (Adamovich et al., 2019; Weber-Lasalle et al., 2019; Akcay et al., 2020; Matejcic et al., 2020; Dorling et al., 2021); This variant is associated with the following publications: (PMID: 30925164, 17550235, 33471991, 32658311, 32832836, 31036035, 29915797)

Sema4
Classification: Uncertain significance for Hereditary cancer-predisposing syndrome. Last evaluated: 2021-12-05. Review status: criteria provided, single submitter. Criteria: Sema4 Curation Guidelines. Collection method: curation. Allele origin: germline.
Comment: The BARD1 c.2137G>A (p.V713M) variant has been reported in heterozygosity in at least three individuals with breast cancer and one with prostate cancer (PMID: 33471991, 31036035, 30925164). Functional studies have shown that this variant reduces the homology-directed DNA repair activity (PMID: 30925164). In silico predictions of the variant's effect on protein function are inconclusive. It was observed in 1/16254 chromosomes of the African/African American subpopulation in the large and broad cohorts of the Genome Aggregation Database (PMID: 32461654). The variant has been reported in ClinVar (Variation ID 186019). The evidence is insufficient to meet ACMG/AMP criteria for classifying the variant as benign or pathogenic. Thus, the clinical significance of this variant is currently uncertain.

Women's Health and Genetics/Laboratory Corporation of America, LabCorp
Classification: Uncertain significance. Last evaluated: 2019-08-23. Review status: criteria provided, single submitter. Criteria: LabCorp Variant Classification Summary - May 2015. Collection method: clinical testing. Allele origin: germline.
Comment: Variant summary: BARD1 c.2137G>A (p.Val713Met) results in a conservative amino acid change located in the BRCT domain of the encoded protein sequence. Four of five in-silico tools predict a damaging effect of the variant on protein function. The variant allele was found at a frequency of 2e-05 in 251358 control chromosomes. The available data on variant occurrences in the general population are insufficient to allow any conclusion about variant significance. c.2137G>A has been reported in the literature in an individual affected with Breast Cancer (Weber_2019) and in an individual affected with USPC (uterine papillary serous carcinomas) (Kogan_2018). These report(s) do not provide unequivocal conclusions about association of the variant with Hereditary Breast and Ovarian Cancer. At least one publication reports experimental evidence evaluating an impact on protein function. The most pronounced variant effect results in >50%-90% of normal activity in a homology-directed repair (HDR) assay (Adamovich_2019). Three clinical diagnostic laboratories have submitted clinical-significance assessments for this variant to ClinVar after 2014 without evidence for independent evaluation. All laboratories classified the variant as uncertain significance. Based on the evidence outlined above, the variant was classified as uncertain significance.

Quest Diagnostics Nichols Institute San Juan Capistrano
Classification: Uncertain significance. Last evaluated: 2018-08-15. Review status: criteria provided, single submitter. Criteria: Quest Diagnostics criteria. Collection method: clinical testing. Allele origin: germline.

Literature cited by the submitters: PubMed 30925164 (cited by 5 submitters); PubMed 31036035 (cited by 4 submitters); PubMed 32658311 (cited by Color Diagnostics, LLC DBA Color Health and Ambry Genetics); PubMed 33471991 (cited by Color Diagnostics, LLC DBA Color Health and Sema4); PubMed 32832836 (cited by Ambry Genetics); PubMed 29915797 (cited by Women's Health and Genetics/Laboratory Corporation of America, LabCorp).

NM_000465.4(BARD1):c.2137G>A (p.Val713Met)

Gene: BARD1 (BRCA1 associated RING domain 1; minus strand). Cytogenetic location: 2q35.
Variant type: single nucleotide variant.
Coding change: c.2137G>A on transcript NM_000465.4 (MANE Select); coding-DNA position 2137, G replaced by A.
Protein change: p.Val713Met; replaces valine 713 with methionine.
Molecular consequence: missense variant. On other transcripts: non-coding transcript variant (3).
Genome position (GRCh38, 1-based): chr2:214,728,873, C>T on the plus strand (G>A on the coding strand, the complement: BARD1 is on the minus strand). VCF-style: chr2-214728873-C-T. GRCh37 (hg19) VCF-style: chr2-215593597-C-T.
Other names: c.2080G>A, p.Val694Met (NM_001282543.2); c.784G>A, p.Val262Met (NM_001282545.2); c.727G>A, p.Val243Met (NM_001282548.2); c.598G>A, p.Val200Met (NM_001282549.2); short protein forms V713M, V694M, V243M, V200M, V262M.
Identifiers: ClinVar variation 186019 (VCV000186019.29), dbSNP rs546077003, ClinGen allele CA193641.